The following is an entry in ClinVar:

NM_005094.4(SLC27A4):c.1211G>A (p.Gly404Asp)

Gene: SLC27A4 (solute carrier family 27 member 4; plus strand). Cytogenetic location: 9q34.11.
Variant type: single nucleotide variant.
Coding change: c.1211G>A on transcript NM_005094.4 (MANE Select); coding-DNA position 1211, G replaced by A.
Protein change: p.Gly404Asp; replaces glycine 404 with aspartic acid.
Molecular consequence: missense variant.
Genome position (GRCh38, 1-based): chr9:128,353,428, G>A. VCF-style: chr9-128353428-G-A. GRCh37 (hg19) VCF-style: chr9-131115707-G-A.
Other names: short protein forms G404D.
Identifiers: ClinVar variation 4292660 (VCV004292660.1).

ClinVar aggregate classification (germline): Uncertain significance (1 of 4 stars; one submission).

Conditions:
Ichthyosis prematurity syndrome (IPS). Also called: ICHTHYOSIS CONGENITA IV. Identifiers: Orphanet 88621, MedGen C1837610, MONDO:0012089, OMIM 608649.

gnomAD v4.1: 4 of 1,614,068 alleles (0.00025%); highest among the groups gnomAD compares: Non-Finnish European, 0.00034%; no homozygotes.

Submission:

3billion
Classification: Uncertain significance for Ichthyosis prematurity syndrome. Last evaluated: 2024-11-23. Review status: criteria provided, single submitter. Criteria: ACMG Guidelines, 2015. Collection method: clinical testing. Allele origin: germline. Affected: yes.
Comment: The variant is observed at an extremely low frequency in the gnomAD v4.1.0 dataset (total allele frequency: <0.001%). Predicted Consequence/Location: Missense variant In silico tool predictions suggest damaging effect of the variant on gene or gene product [REVEL: 0.76 (>=0.6, sensitivity 0.68 and specificity 0.92)]. Therefore, this variant is classified as VUS according to the recommendation of ACMG/AMP guideline.